The following is an entry in ClinVar:

NM_001776.6(ENTPD1):c.509C>T (p.Thr170Ile)

Genes: ENTPD1 (ectonucleoside triphosphate diphosphohydrolase 1; plus strand), ENTPD1-AS1 (ENTPD1 antisense RNA 1; minus strand). Cytogenetic location: 10q24.1.
Variant type: single nucleotide variant.
Coding change: c.509C>T on transcript NM_001776.6 (MANE Select); coding-DNA position 509, C replaced by T.
Protein change: p.Thr170Ile; replaces threonine 170 with isoleucine.
Molecular consequence: missense variant.
Genome position (GRCh38, 1-based): chr10:95,844,571, C>T. VCF-style: chr10-95844571-C-T. GRCh37 (hg19) VCF-style: chr10-97604328-C-T.
Other names: c.530C>T, p.Thr177Ile (NM_001098175.2); c.545C>T, p.Thr182Ile (NM_001164178.1, NM_001320916.1); c.509C>T, p.Thr170Ile (NM_001164179.2); c.185C>T, p.Thr62Ile (NM_001164181.1, NM_001312654.1); c.95C>T, p.Thr32Ile (NM_001164182.2, NM_001164183.2); short protein forms T170I, T177I, T182I, T32I, T62I.
Identifiers: ClinVar variation 1810737 (VCV001810737.1), dbSNP rs770003209, ClinGen allele CA377822777.

ClinVar aggregate classification (germline): Uncertain significance (1 of 4 stars; one submission).

Submission:

GeneDx
Classification: Uncertain significance. Last evaluated: 2022-07-06. Review status: criteria provided, single submitter. Criteria: GeneDx Variant Classification Process June 2021. Collection method: clinical testing. Allele origin: germline. Affected: yes.
Comment: Not observed at significant frequency in large population cohorts (gnomAD); In silico analysis supports that this missense variant has a deleterious effect on protein structure/function; Has not been previously published as pathogenic or benign to our knowledge